The following is an entry in ClinVar:

ClinVar aggregate classification (germline): Uncertain significance (1 of 4 stars; one submission).

Conditions:
RASopathy. Also called: rasopathies; Noonan spectrum disorder. Identifiers: Orphanet 536391, MedGen C5555857, MONDO:0021060.

gnomAD v4.1: 1 of 1,614,000 alleles (0.000062%); no homozygotes.

Submission:

Labcorp Genetics (formerly Invitae), Labcorp
Classification: Uncertain significance for RASopathy. Last evaluated: 2025-10-15. Review status: criteria provided, single submitter. Criteria: Invitae Variant Classification Sherloc (09022015). Collection method: clinical testing. Allele origin: germline.
Comment: This sequence change replaces proline, which is neutral and non-polar, with leucine, which is neutral and non-polar, at codon 1207 of the SOS1 protein (p.Pro1207Leu). This variant is not present in population databases (gnomAD no frequency). This variant has not been reported in the literature in individuals affected with SOS1-related conditions. Invitae Evidence Modeling of protein sequence and biophysical properties (such as structural, functional, and spatial information, amino acid conservation, physicochemical variation, residue mobility, and thermodynamic stability) indicates that this missense variant is not expected to disrupt SOS1 protein function with a negative predictive value of 95%. In summary, the available evidence is currently insufficient to determine the role of this variant in disease. Therefore, it has been classified as a Variant of Uncertain Significance.

NM_005633.4(SOS1):c.3620C>T (p.Pro1207Leu)

Gene: SOS1 (SOS Ras/Rac guanine nucleotide exchange factor 1; minus strand). Cytogenetic location: 2p22.1.
Variant type: single nucleotide variant.
Coding change: c.3620C>T on transcript NM_005633.4 (MANE Select); coding-DNA position 3620, C replaced by T.
Protein change: p.Pro1207Leu; replaces proline 1207 with leucine.
Molecular consequence: missense variant.
Genome position (GRCh38, 1-based): chr2:38,986,206, G>A on the plus strand (C>T on the coding strand, the complement: SOS1 is on the minus strand). VCF-style: chr2-38986206-G-A. GRCh37 (hg19) VCF-style: chr2-39213347-G-A.
Other names: c.3599C>T, p.Pro1200Leu (NM_001382394.1); c.3575C>T, p.Pro1192Leu (NM_001382395.1); short protein forms P1192L, P1200L, P1207L.
Identifiers: ClinVar variation 4811811 (VCV004811811.1).
Genomic context (GRCh38, chr2:38,986,206, plus strand): 5'-GAGAAAACATCAGGTGTCCTCACAGGTTCTCGTGGTGGTAATAAGGGAGGGCTTTCAGGA[G>A]GGTCTGAGATAGAGGTCCGGTCTGATATTGAATATCGTGGTGAATAGGCTTTTGATGTGG-3'
Protein context (NP_005624.2, residues 1197-1217): SISDRTSISD[Pro1207Leu]PESPPLLPPR